The following is an entry in ClinVar:

NM_201384.3(PLEC):c.10740C>T (p.His3580=)

Gene: PLEC (plectin; minus strand). Cytogenetic location: 8q24.3.
Variant type: single nucleotide variant.
Coding change: c.10740C>T on transcript NM_201384.3 (MANE Select); coding-DNA position 10740, C replaced by T.
Protein change: p.His3580=; no amino-acid change (histidine 3580 retained).
Molecular consequence: synonymous variant.
Genome position (GRCh38, 1-based): chr8:143,919,081, G>A on the plus strand (C>T on the coding strand, the complement: PLEC is on the minus strand). VCF-style: chr8-143919081-G-A. GRCh37 (hg19) VCF-style: chr8-144993249-G-A.
Other names: c.10821C>T, p.His3607= (NM_000445.5); c.10698C>T, p.His3566= (NM_201378.4); c.10674C>T, p.His3558= (NM_201379.3); c.11151C>T, p.His3717= (NM_201380.4); c.10644C>T, p.His3548= (NM_201381.3); c.10740C>T, p.His3580= (NM_201382.4); c.10752C>T, p.His3584= (NM_201383.3).
Identifiers: ClinVar variation 282896 (VCV000282896.17), dbSNP rs201867859, ClinGen allele CA4924545.
Genomic context (GRCh38, chr8:143,919,081, plus strand): 5'-CTGCTCCTCGGGGATCAGGTCCGACTGCATCACCTCCCACAGGGACATGGTGGAGCCGCC[G>A]TGGCTGCCGCCGCCGGGAATGTCGATCTGTGTCTCTTCAAATGCCCTTCTTGTCTCCTCC-3'
Protein context (NP_958786.1, residues 3570-3590): TQIDIPGGGS[His3580=]GGSTMSLWEV

ClinVar aggregate classification (germline): Conflicting classifications of pathogenicity. Review status: criteria provided, conflicting classifications (1 of 4 stars). 4 submissions from 4 submitters: Uncertain significance (1); Likely benign (3). Last evaluated 2026-08-17.

Conditions:
PLEC-related disorder. Also called: PLEC-related disorders; PLEC-related condition.
Epidermolysis bullosa simplex with nail dystrophy (EBS5D). Identifiers: MedGen C4225309, MONDO:0014661, OMIM 616487.
Autosomal recessive limb-girdle muscular dystrophy type 2Q (LGMDR17). Also called: MUSCULAR DYSTROPHY, LIMB-GIRDLE, AUTOSOMAL RECESSIVE 17. Identifiers: Orphanet 254361, MedGen C3150989, MONDO:0013390, OMIM 613723.
Epidermolysis bullosa simplex 5C, with pyloric atresia (EBS5C). Also called: PLEC-Related Epidermolysis Bullosa with Pyloric Atresia; Epidermolysis bullosa simplex with pyloric atresia; PLEC1-Related Epidermolysis Bullosa with Pyloric Atresia. Identifiers: Orphanet 158684, MedGen C2677349, MONDO:0012807, OMIM 612138.
Epidermolysis bullosa simplex 5B, with muscular dystrophy (EBS5B). Also called: EPIDERMOLYSIS BULLOSA SIMPLEX AND LIMB-GIRDLE MUSCULAR DYSTROPHY; Epidermolysis bullosa simplex with muscular dystrophy. Identifiers: Orphanet 257, MedGen C2931072, MONDO:0009181, OMIM 226670.
Epidermolysis bullosa simplex, Ogna type (EBS5A). Also called: Pidermolysis bullosa simplex 5A, Ogna type; EPIDERMOLYSIS BULLOSA SIMPLEX 5A, OGNA TYPE. Identifiers: Orphanet 79401, MedGen C0432317, MONDO:0007555, OMIM 131950.

Allele frequency attached by ClinVar (database versions not stated): ExAC 0.00006; gnomAD exomes 0.00006 and 0.00007; TOPMed 0.00006; ESP Exome Variant Server 0.00008; gnomAD 0.00009; 1000 Genomes Project 30x 0.00016; 1000 Genomes Project 0.00020.
gnomAD v4.1: 116 of 1,611,568 alleles (0.0072%); highest among the groups gnomAD compares: East Asian, 0.11%; 1 homozygote.

Submissions (4):

PreventionGenetics, part of Exact Sciences
Classification: Likely benign for PLEC-related condition. Last evaluated: 2026-08-17. Review status: criteria provided, single submitter. Criteria: ACMG Guidelines, 2015. Collection method: clinical testing. Allele origin: germline.
Comment: This variant is classified as likely benign based on ACMG/AMP sequence variant interpretation guidelines (Richards et al. 2015 PMID: 25741868, with internal and published modifications).

Labcorp Genetics (formerly Invitae), Labcorp
Classification: Likely benign for Autosomal recessive limb-girdle muscular dystrophy type 2Q; Epidermolysis bullosa simplex, Ogna type; Epidermolysis bullosa simplex with nail dystrophy; Epidermolysis bullosa simplex 5C, with pyloric atresia; Epidermolysis bullosa simplex 5B, with muscular dystrophy. Last evaluated: 2025-12-01. Review status: criteria provided, single submitter. Criteria: Invitae Variant Classification Sherloc (09022015). Collection method: clinical testing. Allele origin: germline.

Blueprint Genetics
Classification: Likely benign. Last evaluated: 2024-02-16. Review status: criteria provided, single submitter. Criteria: ACMG Guidelines, 2015. Collection method: clinical testing. Allele origin: germline.

Eurofins Ntd Llc (ga)
Classification: Uncertain significance. Last evaluated: 2017-05-16. Review status: criteria provided, single submitter. Criteria: EGL Classification Definitions 2015. Collection method: clinical testing. Allele origin: germline. Observed: 3 variant alleles, 3 heterozygotes.